The following is an entry in ClinVar:

ClinVar aggregate classification (germline): Uncertain significance. Review status: criteria provided, multiple submitters, no conflicts (2 of 4 stars). 2 submissions from 2 submitters: Uncertain significance (2). Last evaluated 2026-06-29.

Conditions:
Ullrich congenital muscular dystrophy 2 (UCMD2). Identifiers: Orphanet 75840, MedGen C4225314, MONDO:0014654, OMIM 616470.
Bethlem myopathy 2 (BTHLM2). Identifiers: Orphanet 536516, Orphanet 610, MedGen C4225313, MONDO:0034022, OMIM 616471.

Allele frequency attached by ClinVar (database versions not stated): gnomAD exomes below 0.00001; gnomAD 0.00001; TOPMed 0.00001.
gnomAD v4.1: 5 of 1,613,398 alleles (0.00031%); highest among the groups gnomAD compares: East Asian, 0.0022%; no homozygotes.

Submissions (2):

Women's Health and Genetics/Laboratory Corporation of America, LabCorp
Classification: Uncertain significance. Last evaluated: 2026-06-29. Review status: criteria provided, single submitter. Criteria: LabCorp Variant Classification Summary - May 2015. Collection method: clinical testing. Allele origin: germline.

Labcorp Genetics (formerly Invitae), Labcorp
Classification: Uncertain significance for Bethlem myopathy 2; Ullrich congenital muscular dystrophy 2. Last evaluated: 2019-06-18. Review status: criteria provided, single submitter. Criteria: Invitae Variant Classification Sherloc (09022015). Collection method: clinical testing. Allele origin: germline.
Comment: In summary, the available evidence is currently insufficient to determine the role of this variant in disease. Therefore, it has been classified as a Variant of Uncertain Significance. Algorithms developed to predict the effect of missense changes on protein structure and function are either unavailable or do not agree on the potential impact of this missense change (SIFT: "Deleterious"; PolyPhen-2: "Probably Damaging"; Align-GVGD: "Class C0"). This variant has not been reported in the literature in individuals with COL12A1-related conditions. This variant is not present in population databases (ExAC no frequency). This sequence change replaces arginine with glycine at codon 2764 of the COL12A1 protein (p.Arg2764Gly). The arginine residue is highly conserved and there is a moderate physicochemical difference between arginine and glycine.

NM_004370.6(COL12A1):c.8290A>G (p.Arg2764Gly)

Gene: COL12A1 (collagen type XII alpha 1 chain; minus strand). Cytogenetic location: 6q13.
Variant type: single nucleotide variant.
Coding change: c.8290A>G on transcript NM_004370.6 (MANE Select); coding-DNA position 8290, A replaced by G.
Protein change: p.Arg2764Gly; replaces arginine 2764 with glycine.
Molecular consequence: missense variant.
Genome position (GRCh38, 1-based): chr6:75,103,786, T>C on the plus strand (A>G on the coding strand, the complement: COL12A1 is on the minus strand). VCF-style: chr6-75103786-T-C. GRCh37 (hg19) VCF-style: chr6-75813502-T-C.
Other names: c.4798A>G, p.Arg1600Gly (NM_080645.3); short protein forms R1600G, R2764G.
Identifiers: ClinVar variation 843280 (VCV000843280.11), dbSNP rs1011310040, ClinGen allele CA141005934.
Genomic context (GRCh38, chr6:75,103,786, plus strand): 5'-AGAATTTAAATGCACTCTAAAATATACTTACAATTGCCCCACTGATACCTCTTTCACCTC[T>C]GGGACCTTTAGCACCAGGTCCTCCCTAAAATACATAGAGCACATAGTAGTGTGAACATAG-3'
Protein context (NP_004361.3, residues 2754-2774): PAGGPGAKGP[Arg2764Gly]GERGISGAIG